The following is an entry in ClinVar:

NM_182961.4(SYNE1):c.18705+6G>A

Gene: SYNE1 (spectrin repeat containing nuclear envelope protein 1; minus strand). Cytogenetic location: 6q25.2.
Variant type: single nucleotide variant.
Coding change: c.18705+6G>A on transcript NM_182961.4 (MANE Select); 6 bases into the intron after coding-DNA position 18705, G replaced by A.
Molecular consequence: intron variant.
Genome position (GRCh38, 1-based): chr6:152,269,149, C>T on the plus strand (G>A on the coding strand, the complement: SYNE1 is on the minus strand). VCF-style: chr6-152269149-C-T. GRCh37 (hg19) VCF-style: chr6-152590284-C-T.
Other names: c.18492+6G>A (NM_033071.5).
Identifiers: ClinVar variation 1359674 (VCV001359674.6), dbSNP rs2153679070, ClinGen allele CA2573140634.

ClinVar aggregate classification (germline): Uncertain significance (1 of 4 stars; one submission).

Conditions:
Autosomal recessive ataxia, Beauce type. Also called: SYNE1-Related Autosomal Recessive Cerebellar Ataxia; SYNE1 Deficiency; Spinocerebellar ataxia, autosomal recessive 8; ATAXIA, RECESSIVE, OF BEAUCE. Identifiers: Orphanet 88644, MedGen C1853116, MONDO:0012549, OMIM 610743.
Emery-Dreifuss muscular dystrophy 4, autosomal dominant (EDMD4). Also called: EMERY-DREIFUSS MUSCULAR DYSTROPHY 4 WITH VARIABLE FEATURES. Identifiers: Orphanet 261, MedGen C2751807, MONDO:0013071, OMIM 612998.

Submission:

Labcorp Genetics (formerly Invitae), Labcorp
Classification: Uncertain significance for Emery-Dreifuss muscular dystrophy 4, autosomal dominant; Autosomal recessive ataxia, Beauce type. Last evaluated: 2021-06-07. Review status: criteria provided, single submitter. Criteria: Invitae Variant Classification Sherloc (09022015). Collection method: clinical testing. Allele origin: germline.
Comment: In summary, the available evidence is currently insufficient to determine the role of this variant in disease. Therefore, it has been classified as a Variant of Uncertain Significance. This sequence change falls in intron 98 of the SYNE1 gene. It does not directly change the encoded amino acid sequence of the SYNE1 protein. It affects a nucleotide within the consensus splice site of the intron. This variant is not present in population databases (ExAC no frequency). This variant has not been reported in the literature in individuals with SYNE1-related conditions. Nucleotide substitutions within the consensus splice site are a relatively common cause of aberrant splicing (PMID: 17576681, 9536098). Algorithms developed to predict the effect of sequence changes on RNA splicing suggest that this variant may disrupt the consensus splice site, but this prediction has not been confirmed by published transcriptional studies.

Literature cited by the submitters: PubMed 17576681; PubMed 9536098.